The following is an entry in ClinVar:

ClinVar aggregate classification (germline): Uncertain significance (1 of 4 stars; one submission).

Allele frequency attached by ClinVar (database versions not stated): TOPMed below 0.00001; ExAC 0.00001; gnomAD 0.00001; gnomAD exomes 0.00001 and 0.00002.
gnomAD v4.1: 22 of 1,613,678 alleles (0.0014%); highest among the groups gnomAD compares: African/African-American, 0.0027%; no homozygotes.

Submission:

Labcorp Genetics (formerly Invitae), Labcorp
Classification: Uncertain significance. Last evaluated: 2024-02-23. Review status: criteria provided, single submitter. Criteria: Invitae Variant Classification Sherloc (09022015). Collection method: clinical testing. Allele origin: germline.
Comment: This sequence change replaces serine, which is neutral and polar, with glycine, which is neutral and non-polar, at codon 284 of the KIAA1549 protein (p.Ser284Gly). This variant is present in population databases (rs764185862, gnomAD 0.007%). This variant has not been reported in the literature in individuals affected with KIAA1549-related conditions. ClinVar contains an entry for this variant (Variation ID: 1448181). Algorithms developed to predict the effect of missense changes on protein structure and function output the following: SIFT: "Not Available"; PolyPhen-2: "Benign"; Align-GVGD: "Not Available". The glycine amino acid residue is found in multiple mammalian species, which suggests that this missense change does not adversely affect protein function. In summary, the available evidence is currently insufficient to determine the role of this variant in disease. Therefore, it has been classified as a Variant of Uncertain Significance.

NM_001164665.2(KIAA1549):c.850A>G (p.Ser284Gly)

Gene: KIAA1549 (KIAA1549; minus strand). Cytogenetic location: 7q34.
Variant type: single nucleotide variant.
Coding change: c.850A>G on transcript NM_001164665.2 (MANE Select); coding-DNA position 850, A replaced by G.
Protein change: p.Ser284Gly; replaces serine 284 with glycine.
Molecular consequence: missense variant.
Genome position (GRCh38, 1-based): chr7:138,918,776, T>C on the plus strand (A>G on the coding strand, the complement: KIAA1549 is on the minus strand). VCF-style: chr7-138918776-T-C. GRCh37 (hg19) VCF-style: chr7-138603522-T-C.
Other names: c.850A>G, p.Ser284Gly (NM_020910.3); short protein forms S284G.
Identifiers: ClinVar variation 1448181 (VCV001448181.5), dbSNP rs764185862, ClinGen allele CA4506855.